The following is an entry in ClinVar:

ClinVar aggregate classification (germline): Uncertain significance (1 of 4 stars; one submission).

Submission:

Labcorp Genetics (formerly Invitae), Labcorp
Classification: Uncertain significance. Last evaluated: 2022-07-09. Review status: criteria provided, single submitter. Criteria: Invitae Variant Classification Sherloc (09022015). Collection method: clinical testing. Allele origin: germline.
Comment: This variant is not present in population databases (gnomAD no frequency). This sequence change replaces aspartic acid, which is acidic and polar, with asparagine, which is neutral and polar, at codon 217 of the PROSC protein (p.Asp217Asn). This variant has not been reported in the literature in individuals affected with PROSC-related conditions. Algorithms developed to predict the effect of missense changes on protein structure and function (SIFT, PolyPhen-2, Align-GVGD) all suggest that this variant is likely to be tolerated. In summary, the available evidence is currently insufficient to determine the role of this variant in disease. Therefore, it has been classified as a Variant of Uncertain Significance.

NM_007198.4(PLPBP):c.649G>A (p.Asp217Asn)

Gene: PLPBP (pyridoxal phosphate binding protein; plus strand). Cytogenetic location: 8p11.23.
Variant type: single nucleotide variant.
Coding change: c.649G>A on transcript NM_007198.4 (MANE Select); coding-DNA position 649, G replaced by A.
Protein change: p.Asp217Asn; replaces aspartic acid 217 with asparagine.
Molecular consequence: missense variant.
Genome position (GRCh38, 1-based): chr8:37,775,969, G>A. VCF-style: chr8-37775969-G-A. GRCh37 (hg19) VCF-style: chr8-37633487-G-A.
Other names: c.679G>A, p.Asp227Asn (NM_001349346.2); c.643G>A, p.Asp215Asn (NM_001349347.2); c.493G>A, p.Asp165Asn (NM_001349348.2); short protein forms D217N, D215N, D165N, D227N.
Identifiers: ClinVar variation 2015414 (VCV002015414.4), dbSNP rs2487393730, ClinGen allele CA370668726.
Genomic context (GRCh38, chr8:37,775,969, plus strand): 5'-TTCTGTCAGCTGTTATTGTCCCTCCGGGAGGAGCTGTGTAAAAAGCTGAACATCCCTGCT[G>A]ACCAGGTTGAGCTGAGCATGGGCATGTCCGCGGATTTCCAGCATGCGGTGAGTGTCCTGC-3'
Protein context (NP_009129.1, residues 207-227): ELCKKLNIPA[Asp217Asn]QVELSMGMSA